The following is an entry in ClinVar:

ClinVar aggregate classification (germline): Pathogenic (1 of 4 stars; one submission).

Conditions:
Immunodeficiency 104. Also called: Severe combined immunodeficiency, autosomal recessive, T cell-negative, B cell-positive, NK cell-positive; SCID, AUTOSOMAL RECESSIVE, T CELL-NEGATIVE, B CELL-POSITIVE, NK CELL-POSITIVE; Severe Combined Immune Deficiency, Autosomal Recessive, TCell -Negative, B Cell-Positive, NK Cell-Positive, IL7R-Related; IMMUNODEFICIENCY 104, SEVERE COMBINED. Identifiers: MedGen C5676890, MONDO:0012163, OMIM 608971.

Allele frequency attached by ClinVar (database versions not stated): gnomAD exomes below 0.00001; gnomAD 0.00001; TOPMed 0.00001.
gnomAD v4.1: 2 of 1,613,248 alleles (0.00012%); highest among the groups gnomAD compares: Non-Finnish European, 0.00017%; no homozygotes.

Submission:

Labcorp Genetics (formerly Invitae), Labcorp
Classification: Pathogenic for Immunodeficiency 104. Last evaluated: 2023-10-11. Review status: criteria provided, single submitter. Criteria: Invitae Variant Classification Sherloc (09022015). Collection method: clinical testing. Allele origin: germline.
Comment: This sequence change affects an acceptor splice site in intron 1 of the IL7R gene. It is expected to disrupt RNA splicing. Variants that disrupt the donor or acceptor splice site typically lead to a loss of protein function (PMID: 16199547), and loss-of-function variants in IL7R are known to be pathogenic (PMID: 21664875, 26123418). This variant is not present in population databases (gnomAD no frequency). Disruption of this splice site has been observed in individuals with clinical features of IL7R-related conditions and/or severe combined immunodeficiency (PMID: 15661025, 24578017, 30858051, 32888943). ClinVar contains an entry for this variant (Variation ID: 569326). Algorithms developed to predict the effect of sequence changes on RNA splicing suggest that this variant may disrupt the consensus splice site. For these reasons, this variant has been classified as Pathogenic.

Literature cited by the submitters: PubMed 16199547; PubMed 21664875; PubMed 26123418; PubMed 15661025; PubMed 24578017; PubMed 30858051; PubMed 32888943.

NM_002185.5(IL7R):c.83-1G>A

Gene: IL7R (interleukin 7 receptor; plus strand). Cytogenetic location: 5p13.2.
Variant type: single nucleotide variant.
Coding change: c.83-1G>A on transcript NM_002185.5 (MANE Select); the canonical splice acceptor site of the intron before coding-DNA position 83, G replaced by A.
Molecular consequence: splice acceptor variant.
Genome position (GRCh38, 1-based): chr5:35,860,851, G>A. VCF-style: chr5-35860851-G-A. GRCh37 (hg19) VCF-style: chr5-35860953-G-A.
Other names: c.83-1G>A (NM_001410734.1).
Identifiers: ClinVar variation 569326 (VCV000569326.9), dbSNP rs200803157, ClinGen allele CA116956451.